The following is an entry in ClinVar:

ClinVar aggregate classification (germline): Likely benign (1 of 4 stars; one submission).

Conditions:
Familial cancer of breast. Also called: BREAST CANCER, FAMILIAL; Hereditary breast cancer; hereditary breast carcinoma. Identifiers: Orphanet 227535, MedGen C0346153, MONDO:0016419, OMIM 114480. Disease mechanism: loss of function.

Submission:

Myriad Genetics, Inc.
Classification: Likely benign for Familial cancer of breast. Last evaluated: 2024-05-22. Review status: criteria provided, single submitter. Criteria: Myriad Autosomal Dominant, Autosomal Recessive and X-Linked Classification Criteria (2023). Collection method: clinical testing. Allele origin: unknown.
Comment: This variant is considered likely benign. This variant is intronic and is not expected to impact mRNA splicing.

NM_000051.4(ATM):c.5177+8T>C

Gene: ATM (ATM serine/threonine kinase; plus strand). Cytogenetic location: 11q22.3.
Variant type: single nucleotide variant.
Coding change: c.5177+8T>C on transcript NM_000051.4 (MANE Select); 8 bases into the intron after coding-DNA position 5177, T replaced by C.
Molecular consequence: intron variant.
Genome position (GRCh38, 1-based): chr11:108,299,893, T>C. VCF-style: chr11-108299893-T-C. GRCh37 (hg19) VCF-style: chr11-108170620-T-C.
Other names: c.5177+8T>C (NM_001351834.2).
Identifiers: ClinVar variation 3253831 (VCV003253831.1), dbSNP rs2546965998.
Genomic context (GRCh38, chr11:108,299,893, plus strand): 5'-CAGTGGACCTTCATAATGCTGACCTACCTGAATAACACACTGGTAGAAGATTGGTGAGTA[T>C]TTATTGATACCTTATATGTAATCTCAATATGACATTCATGGAGAATGATACTTCACACAA-3'